The following is an entry in ClinVar:

ClinVar aggregate classification (germline): Likely pathogenic (1 of 4 stars; one submission).

Conditions:
Autosomal recessive limb-girdle muscular dystrophy type 2J (LGMDR10). Also called: Limb-girdle muscular dystrophy, type 2J; MUSCULAR DYSTROPHY, LIMB-GIRDLE, AUTOSOMAL RECESSIVE 10. Identifiers: Orphanet 140922, MedGen C1837342, MONDO:0012127, OMIM 608807.
Dilated cardiomyopathy 1G (CMD1G). Identifiers: Orphanet 154, MedGen C1858763, MONDO:0011400, OMIM 604145.

Submission:

Labcorp Genetics (formerly Invitae), Labcorp
Classification: Likely pathogenic for Dilated cardiomyopathy 1G; Autosomal recessive limb-girdle muscular dystrophy type 2J. Last evaluated: 2025-10-14. Review status: criteria provided, single submitter. Criteria: Invitae Variant Classification Sherloc (09022015). Collection method: clinical testing. Allele origin: germline.
Comment: This sequence change creates a premature translational stop signal (p.Val10393Phefs*32) in the TTN gene. While this is not anticipated to result in nonsense mediated decay, it is expected to create a truncated TTN protein. This variant is not present in population databases (gnomAD no frequency). This variant has not been reported in the literature in individuals affected with TTN-related conditions. This variant is located in the I band of TTN (PMID: 25589632). Truncating variants in this region have been reported in individuals affected with autosomal recessive centronuclear myopathy (PMID: 23975875, internal data). Truncating variants in this region have also been identified in individuals affected with autosomal dominant dilated cardiomyopathy and/or cardio-related conditions (PMID: 27869827, 32964742, internal data). In summary, the currently available evidence indicates that the variant is pathogenic, but additional data are needed to prove that conclusively. Therefore, this variant has been classified as Likely Pathogenic.

Literature cited by the submitters: PubMed 25589632; PubMed 23975875; PubMed 27869827; PubMed 32964742.

NM_001267550.2(TTN):c.31177_31180del (p.Val10393fs)

Gene: TTN (titin; minus strand). Cytogenetic location: 2q31.2.
Variant type: Deletion.
Coding change: c.31177_31180del on transcript NM_001267550.2 (MANE Select); coding-DNA positions 31177 to 31180, 4 bases deleted (GTAA; older notation c.31177_31180delGTAA).
Protein change: p.Val10393fs; shifts the reading frame from valine 10393.
Molecular consequence: frameshift variant. On other transcripts: intron variant (3).
Genome position (GRCh38, 1-based): chr2:178,695,892-178,695,895, TTAC deleted on the plus strand (GTAA on the coding strand, the reverse complement: TTN is on the minus strand); deleting any 4 consecutive bases within chr2:178,695,892-178,695,897 gives the same sequence; the c. name uses the placement nearest the transcript's 3' end. VCF-style (leftmost placement, unchanged base first): chr2-178695891-ATTAC-A. GRCh37 (hg19) VCF-style: chr2-179560618-ATTAC-A.
Other names: c.30226_30229del, p.Val10076fs (NM_001256850.1); c.27445_27448del, p.Val9149fs (NM_133378.4); c.13282+42187_13282+42190del (NM_003319.4); c.13858+42187_13858+42190del (NM_133437.4); c.13657+42187_13657+42190del (NM_133432.3); short protein forms V10393fs, V9149fs, V10076fs.
Identifiers: ClinVar variation 4786430 (VCV004786430.1).